The following is an entry in ClinVar:

NM_000070.3(CAPN3):c.2260del (p.Ala754fs)

Gene: CAPN3 (calpain 3; plus strand). Cytogenetic location: 15q15.1.
Variant type: Deletion.
Coding change: c.2260del on transcript NM_000070.3 (MANE Select); coding-DNA position 2260, one base deleted (G; older notation c.2260delG).
Protein change: p.Ala754fs; shifts the reading frame from alanine 754.
Molecular consequence: frameshift variant.
Genome position (GRCh38, 1-based): chr15:42,410,663, G deleted. VCF-style (leftmost placement, unchanged base first): chr15-42410662-CG-C. GRCh37 (hg19) VCF-style: chr15-42702860-CG-C.
Other names: c.2242del, p.Ala748fs (NM_024344.2); c.1984del, p.Ala662fs (NM_173087.2); c.724del, p.Ala242fs (NM_173088.2); c.265del, p.Ala89fs (NM_173089.2, NM_173090.2); short protein forms A662fs, A748fs, A754fs, A89fs, A242fs.
Identifiers: ClinVar variation 3724779 (VCV003724779.2).
Genomic context (GRCh38, chr15:42,410,662, plus strand): 5'-CTATGACACAGACCAGTCCGGCACCATCAACAGCTACGAGATGCGAAATGCAGTCAACGA[CG>C]CAGGTGCTGAGAAGGAAGGGGTGGCAGGGATGTGGACCCGAGACGGTGGGAGCAGGAATG-3'

ClinVar aggregate classification (germline): Pathogenic (1 of 4 stars; one submission).

Conditions:
Autosomal recessive limb-girdle muscular dystrophy type 2A (LGMDR1). Also called: LEYDEN-MOEBIUS MUSCULAR DYSTROPHY; MUSCULAR DYSTROPHY, PELVOFEMORAL; Muscular dystrophy, limb-girdle, type 2A, Amish; Limb-girdle muscular dystrophy, type 2A; Calpainopathy. Identifiers: Orphanet 267, MedGen C1869123, MONDO:0009675, OMIM 253600. Disease mechanism: loss of function.

Submission:

Labcorp Genetics (formerly Invitae), Labcorp
Classification: Pathogenic for Autosomal recessive limb-girdle muscular dystrophy type 2A. Last evaluated: 2024-11-06. Review status: criteria provided, single submitter. Criteria: Invitae Variant Classification Sherloc (09022015). Collection method: clinical testing. Allele origin: germline.
Comment: This sequence change creates a premature translational stop signal (p.Ala754Glnfs*22) in the CAPN3 gene. It is expected to result in an absent or disrupted protein product. Loss-of-function variants in CAPN3 are known to be pathogenic (PMID: 10330340, 15689361). This variant is not present in population databases (gnomAD no frequency). This variant has not been reported in the literature in individuals affected with CAPN3-related conditions. For these reasons, this variant has been classified as Pathogenic.

Literature cited by the submitters: PubMed 10330340; PubMed 15689361.